The following is an entry in ClinVar:

NM_004064.5(CDKN1B):c.476-2_491del

Gene: CDKN1B (cyclin dependent kinase inhibitor 1B; plus strand). Cytogenetic location: 12p13.1.
Variant type: Deletion.
Coding change: c.476-2_491del on transcript NM_004064.5 (MANE Select); the canonical splice acceptor site of the intron before coding-DNA position 476 through coding-DNA position 491, 18 bases deleted (AGATTCTTCTACTCAAAA).
Molecular consequence: splice acceptor variant.
Genome position (GRCh38, 1-based): chr12:12,718,823-12,718,840, AGATTCTTCTACTCAAAA deleted. VCF-style (leftmost placement, unchanged base first): chr12-12718822-TAGATTCTTCTACTCAAAA-T. GRCh37 (hg19) VCF-style: chr12-12871756-TAGATTCTTCTACTCAAAA-T.
Identifiers: ClinVar variation 2024580 (VCV002024580.4), dbSNP rs2497407368, ClinGen allele CA2580085218.

ClinVar aggregate classification (germline): Uncertain significance (1 of 4 stars; one submission).

Conditions:
Multiple endocrine neoplasia type 4. Also called: MULTIPLE ENDOCRINE NEOPLASIA, TYPE IV. Identifiers: Orphanet 276152, MedGen C1970712, MONDO:0012552, OMIM 610755.

Submission:

Labcorp Genetics (formerly Invitae), Labcorp
Classification: Uncertain significance for Multiple endocrine neoplasia type 4. Last evaluated: 2024-05-23. Review status: criteria provided, single submitter. Criteria: Invitae Variant Classification Sherloc (09022015). Collection method: clinical testing. Allele origin: germline.
Comment: This variant results in the deletion of part of exon 2 (c.476-2_491del) of the CDKN1B gene. While this variant is not anticipated to result in nonsense mediated decay, it likely alters RNA splicing and results in a disrupted protein product. This variant is not present in population databases (gnomAD no frequency). This variant has not been reported in the literature in individuals affected with CDKN1B-related conditions. ClinVar contains an entry for this variant (Variation ID: 2024580). Variants that disrupt the consensus splice site are a relatively common cause of aberrant splicing (PMID: 17576681, 9536098). In summary, the available evidence is currently insufficient to determine the role of this variant in disease. Therefore, it has been classified as a Variant of Uncertain Significance.

Literature cited by the submitters: PubMed 17576681; PubMed 9536098.